The following is an entry in ClinVar:

ClinVar aggregate classification (germline): Conflicting classifications of pathogenicity. Review status: criteria provided, conflicting classifications (1 of 4 stars). 6 submissions from 6 submitters: Uncertain significance (5); Likely benign (1). Last evaluated 2026-05-08.

Conditions:
Hereditary cancer-predisposing syndrome. Also called: Neoplastic Syndromes, Hereditary; Hereditary Cancer Syndrome; Tumor predisposition; Hereditary neoplastic syndrome. Identifiers: Orphanet 140162, MedGen C0027672, MeSH D009386, MONDO:0015356.
Hereditary breast ovarian cancer syndrome. Also called: Hereditary breast and ovarian cancer; BRCA1- and BRCA2-Associated Hereditary Breast and Ovarian Cancer; Hereditary breast and ovarian cancer syndrome; Hereditary breast and ovarian cancer syndrome (HBOC); Breast and ovarian cancer; Hereditary breast and/or ovarian cancer syndrome. Identifiers: Orphanet 145, MedGen C0677776, MeSH D061325, MONDO:0003582. Disease mechanism: loss of function.

Allele frequency attached by ClinVar (database versions not stated): gnomAD exomes below 0.00001.
gnomAD v4.1: 3 of 1,614,098 alleles (0.00019%); highest among the groups gnomAD compares: Admixed American, 0.0017%; no homozygotes.

Submissions (6):

Ambry Genetics
Classification: Uncertain significance for Hereditary cancer-predisposing syndrome. Last evaluated: 2026-05-08. Review status: criteria provided, single submitter. Criteria: Ambry Variant Classification Scheme 2023. Collection method: clinical testing. Allele origin: germline.
Comment: The p.S753N variant (also known as c.2258G>A), located in coding exon 9 of the BRCA1 gene, results from a G to A substitution at nucleotide position 2258. The serine at codon 753 is replaced by asparagine, an amino acid with highly similar properties. This alteration has been reported with a carrier frequency of 0 in 7051 unselected breast cancer patients and 0.00009 in 11241 female controls of Japanese ancestry (Momozawa Y et al. Nat Commun, 2018 10;9:4083). This amino acid position is not well conserved in available vertebrate species. In addition, this alteration is predicted to be tolerated by in silico analysis. Since supporting evidence is limited at this time, the clinical significance of this alteration remains unclear.

Labcorp Genetics (formerly Invitae), Labcorp
Classification: Uncertain significance for Hereditary breast ovarian cancer syndrome. Last evaluated: 2025-10-23. Review status: criteria provided, single submitter. Criteria: Invitae Variant Classification Sherloc (09022015). Collection method: clinical testing. Allele origin: germline.
Comment: This sequence change replaces serine, which is neutral and polar, with asparagine, which is neutral and polar, at codon 753 of the BRCA1 protein (p.Ser753Asn). This variant is present in population databases (no rsID available, gnomAD 0.003%). This missense change has been observed in individual(s) with clinical features of BRCA1-related conditions (PMID: 21520333). ClinVar contains an entry for this variant (Variation ID: 240782). Invitae Evidence Modeling of protein sequence and biophysical properties (such as structural, functional, and spatial information, amino acid conservation, physicochemical variation, residue mobility, and thermodynamic stability) indicates that this missense variant is not expected to disrupt BRCA1 protein function with a negative predictive value of 80%. In summary, the available evidence is currently insufficient to determine the role of this variant in disease. Therefore, it has been classified as a Variant of Uncertain Significance.

GeneDx
Classification: Uncertain significance. Last evaluated: 2023-12-19. Review status: criteria provided, single submitter. Criteria: GeneDx Variant Classification Process June 2021. Collection method: clinical testing. Allele origin: germline. Affected: yes.
Comment: Absent from cases but observed in controls in a breast cancer case-control study (PMID: 30287823); In silico analysis supports that this missense variant does not alter protein structure/function; Not observed at significant frequency in large population cohorts (gnomAD); Also known as 2377G>A; This variant is associated with the following publications: (PMID: 36243179, 30287823, 32377563, 29884841, 15343273)

Color Diagnostics, LLC DBA Color Health
Classification: Uncertain significance for Hereditary cancer-predisposing syndrome. Last evaluated: 2023-05-23. Review status: criteria provided, single submitter. Criteria: ACMG Guidelines, 2015. Collection method: clinical testing. Allele origin: germline.
Comment: This missense variant replaces serine with asparagine at codon 753 of the BRCA1 protein. Computational prediction suggests that this variant may not impact protein structure and function (internally defined REVEL score threshold <= 0.5, PMID: 27666373). To our knowledge, functional studies have not been reported for this variant. This variant has been reported in a breast cancer and a pancreatic cancer case-control study in 1 unaffected individual each and absent in cancer cases (PMID: 30287823, 32980694). This variant has been identified in 1/251204 chromosomes in the general population by the Genome Aggregation Database (gnomAD). The available evidence is insufficient to determine the role of this variant in disease conclusively. Therefore, this variant is classified as a Variant of Uncertain Significance.

Quest Diagnostics Nichols Institute San Juan Capistrano
Classification: Uncertain significance. Last evaluated: 2023-04-22. Review status: criteria provided, single submitter. Criteria: Quest Diagnostics criteria. Collection method: clinical testing. Allele origin: unknown.
Comment: The variant has not been reported in individuals affected with BRCA1-related disease in the published literature. The frequency of this variant in the general population, 0.000004 (1/251204 chromosomes), is uninformative in assessment of its pathogenicity. Analysis of this variant using bioinformatics tools for the prediction of the effect of amino acid changes on protein structure and function yielded predictions that this variant is benign. Based on the available information, we are unable to determine the clinical significance of this variant.

University of Washington Department of Laboratory Medicine, University of Washington
Classification: Likely benign for Hereditary cancer-predisposing syndrome. Last evaluated: 2023-03-23. Review status: criteria provided, single submitter. Criteria: Dines et al. (Genet Med. 2020). Collection method: curation. Allele origin: germline.
Comment: Missense variant in a coldspot region where missense variants are very unlikely to be pathogenic (PMID:31911673).

BRCA1 coldspot (exon 11 using historical exon numbering). Reclassification based on statistical prior probability

Literature cited by the submitters: PubMed 30287823 (cited by 3 submitters); PubMed 21520333 (cited by Labcorp Genetics (formerly Invitae), Labcorp); PubMed 32980694 (cited by Color Diagnostics, LLC DBA Color Health); PubMed 31911673 (cited by Quest Diagnostics Nichols Institute San Juan Capistrano); PubMed 32963034 (cited by Quest Diagnostics Nichols Institute San Juan Capistrano).

NM_007294.4(BRCA1):c.2258G>A (p.Ser753Asn)

Gene: BRCA1 (BRCA1 DNA repair associated; minus strand). Cytogenetic location: 17q21.31.
Variant type: single nucleotide variant.
Coding change: c.2258G>A on transcript NM_007294.4 (MANE Select); coding-DNA position 2258, G replaced by A.
Protein change: p.Ser753Asn; replaces serine 753 with asparagine.
Molecular consequence: missense variant. On other transcripts: intron variant (137).
Genome position (GRCh38, 1-based): chr17:43,093,273, C>T on the plus strand (G>A on the coding strand, the complement: BRCA1 is on the minus strand). VCF-style: chr17-43093273-C-T. GRCh37 (hg19) VCF-style: chr17-41245290-C-T.
Other names: c.2045G>A, p.Ser682Asn (NM_001407853.1, NM_001407895.1, NM_001407896.1 and 9 more transcripts); c.2258G>A, p.Ser753Asn (NM_001407854.1, NM_001407858.1, NM_001407859.1 and 30 more transcripts); c.2255G>A, p.Ser752Asn (NM_001407860.1, NM_001407861.1, NM_001407587.1 and 22 more transcripts); c.2057G>A, p.Ser686Asn (NM_001407862.1); c.2135G>A, p.Ser712Asn (NM_001407863.1, NM_001407664.1, NM_001407675.1 and 19 more transcripts); c.2054G>A, p.Ser685Asn (NM_001407874.1, NM_001407875.1); c.2048G>A, p.Ser683Asn (NM_001407900.1, NM_001407902.1, NM_001407904.1 and 13 more transcripts); c.1994G>A, p.Ser665Asn (NM_001407921.1, NM_001407922.1, NM_001407923.1 and 9 more transcripts); and 41 more; short protein forms S753N, S706N, S664N, S685N, S705N, S727N, S625N, S726N.
Identifiers: ClinVar variation 240782 (VCV000240782.26), dbSNP rs878854939, ClinGen allele CA10583572.